The following is an entry in ClinVar:

NM_001042492.3(NF1):c.480-10T>C

Gene: NF1 (neurofibromin 1; plus strand). Cytogenetic location: 17q11.2.
Variant type: single nucleotide variant.
Coding change: c.480-10T>C on transcript NM_001042492.3 (MANE Select); 10 bases into the intron before coding-DNA position 480, T replaced by C.
Molecular consequence: intron variant.
Genome position (GRCh38, 1-based): chr17:31,169,881, T>C. VCF-style: chr17-31169881-T-C. GRCh37 (hg19) VCF-style: chr17-29496899-T-C.
Other names: c.480-10T>C (NM_000267.4, NM_001128147.3).
Identifiers: ClinVar variation 1096129 (VCV001096129.8), dbSNP rs2143706711, ClinGen allele CA2499223984.
Genomic context (GRCh38, chr17:31,169,881, plus strand): 5'-CAGGTGTGAGATACCACACCTGTCCCCTAATACTTAATTTGATAAGTTAATTTTGGTTTT[T>C]ACTTTTTAGGTTACAGGAATTAACTGTTTGTTCAGAAGACAATGTTGATGTTCATGATAT-3'

ClinVar aggregate classification (germline): Likely benign. Review status: criteria provided, multiple submitters, no conflicts (2 of 4 stars). 2 submissions from 2 submitters: Likely benign (2). Last evaluated 2026-09-23.

Conditions:
Neurofibromatosis, type 1 (NF1). Also called: Neurofibromatosis, type I; VON RECKLINGHAUSEN DISEASE; Peripheral type neurofibromatosis; NEUROFIBROMATOSIS, TYPE I, SOMATIC. Identifiers: Orphanet 636, MedGen C0027831, MONDO:0018975, OMIM 162200. Disease mechanism: loss of function.

Allele frequency attached by ClinVar (database versions not stated): gnomAD exomes below 0.00001.
gnomAD v4.1: 1 of 1,595,728 alleles (0.000063%); highest among the groups gnomAD compares: Admixed American, 0.0017%; no homozygotes.

Submissions (2):

Myriad Genetics, Inc.
Classification: Likely benign for Neurofibromatosis, type 1. Last evaluated: 2026-09-23. Review status: criteria provided, single submitter. Criteria: Myriad Autosomal Dominant, Autosomal Recessive and X-Linked Classification Criteria (2023). Collection method: clinical testing. Allele origin: unknown.
Comment: This variant is considered likely benign. This variant is intronic and is not expected to impact mRNA splicing.

Labcorp Genetics (formerly Invitae), Labcorp
Classification: Likely benign for Neurofibromatosis, type 1. Last evaluated: 2025-11-10. Review status: criteria provided, single submitter. Criteria: Invitae Variant Classification Sherloc (09022015). Collection method: clinical testing. Allele origin: germline.